The following is an entry in ClinVar:

ClinVar aggregate classification (germline): Conflicting classifications of pathogenicity. Review status: criteria provided, conflicting classifications (1 of 4 stars). 8 submissions from 8 submitters: Uncertain significance (5); Likely benign (2). 1 of the submissions does not count toward it. Last evaluated 2026-01-14.

Conditions:
Polycystic kidney disease 4 (PKD4). Also called: Autosomal Recessive Polycystic Kidney Disease – PKHD1; PKD3; POLYCYSTIC KIDNEY AND HEPATIC DISEASE 1; POLYCYSTIC KIDNEY DISEASE, INFANTILE, TYPE I; POLYCYSTIC KIDNEY DISEASE 4 WITH OR WITHOUT POLYCYSTIC LIVER DISEASE. Identifiers: MedGen C4540575, MONDO:0033004, OMIM 263200.
Inborn genetic diseases. Identifiers: MedGen C0950123, MeSH D030342.
Autosomal recessive polycystic kidney disease (ARPKD). Also called: AR polycystic kidney disease. Identifiers: Orphanet 731, Orphanet 8378, MedGen C0085548, MeSH D017044, MONDO:0009889.

Allele frequency attached by ClinVar (database versions not stated): TOPMed 0.00005; gnomAD 0.00006 and 0.00007; ExAC 0.00007; ESP Exome Variant Server 0.00008; gnomAD exomes 0.00008 and 0.00009.
gnomAD v4.1: 154 of 1,614,124 alleles (0.0095%); highest among the groups gnomAD compares: East Asian, 0.23%; no homozygotes.

Submissions (8):

Labcorp Genetics (formerly Invitae), Labcorp
Classification: Likely benign for Autosomal recessive polycystic kidney disease. Last evaluated: 2026-01-14. Review status: criteria provided, single submitter. Criteria: Invitae Variant Classification Sherloc (09022015). Collection method: clinical testing. Allele origin: germline.

Fulgent Genetics
Classification: Uncertain significance for Polycystic kidney disease 4. Last evaluated: 2024-04-16. Review status: criteria provided, single submitter. Criteria: ACMG Guidelines, 2015. Collection method: clinical testing. Allele origin: germline.

CeGaT Center for Human Genetics Tuebingen
Classification: Uncertain significance. Last evaluated: 2024-04-01. Review status: criteria provided, single submitter. Criteria: CeGaT Center For Human Genetics Tuebingen Variant Classification Criteria Version 2. Collection method: clinical testing. Allele origin: germline. Affected: yes. Observed: 1 variant allele.
Comment: PKHD1: PM2, BP4

Blueprint Genetics
Classification: Uncertain significance. Last evaluated: 2024-03-28. Review status: criteria provided, single submitter. Criteria: ACMG Guidelines, 2015. Collection method: clinical testing. Allele origin: germline.

Ambry Genetics
Classification: Likely benign for Inborn genetic diseases. Last evaluated: 2023-03-28. Review status: criteria provided, single submitter. Criteria: Ambry Variant Classification Scheme 2023. Collection method: clinical testing. Allele origin: germline.

Women's Health and Genetics/Laboratory Corporation of America, LabCorp
Classification: Uncertain significance. Last evaluated: 2020-11-09. Review status: criteria provided, single submitter. Criteria: LabCorp Variant Classification Summary - May 2015. Collection method: clinical testing. Allele origin: germline.
Comment: Variant summary: PKHD1 c.12106C>T (p.Arg4036Trp) results in a non-conservative amino acid change in the encoded protein sequence. Four of five in-silico tools predict a benign effect of the variant on protein function. The variant allele was found at a frequency of 7.6e-05 in 250920 control chromosomes (gnomAD). This frequency is not significantly higher than expected for a pathogenic variant in PKHD1 causing Polycystic Kidney and Hepatic Disease (7.6e-05 vs 0.0071), allowing no conclusion about variant significance. However, the variant was also reported in Japanese healthy control databases (HGVD-Kyoto and jMorp) with a frequency of 0.006 (including 1 homozygote in HGVD-Kyoto database). This frequency is somewhat close to the estimated maximal expected allele frequency for a pathogenic PKHD1 variant, therefore this variant might represent a benign polymorphism found primarily in populations of East Asian origin (HGVD). To our knowledge, no occurrence of c.12106C>T in individuals affected with Polycystic Kidney and Hepatic Disease and no experimental evidence demonstrating its impact on protein function have been reported. Two other ClinVar submitters (evaluation after 2014) cite the variant as uncertain significance. Based on the evidence outlined above, the variant was classified as uncertain significance.

Eurofins Ntd Llc (ga)
Classification: Uncertain significance. Last evaluated: 2017-03-13. Review status: criteria provided, single submitter. Criteria: EGL Classification Definitions 2015. Collection method: clinical testing. Allele origin: germline. Observed: 3 variant alleles, 3 heterozygotes.

Natera, Inc.
Classification: Uncertain significance for Autosomal recessive polycystic kidney disease. Last evaluated: 2018-11-06. Review status: no assertion criteria provided. Collection method: clinical testing. Allele origin: germline. Not counted in ClinVar's aggregate classification.

NM_138694.4(PKHD1):c.12106C>T (p.Arg4036Trp)

Gene: PKHD1 (PKHD1 ciliary IPT domain containing fibrocystin/polyductin; minus strand). Cytogenetic location: 6p12.3.
Variant type: single nucleotide variant.
Coding change: c.12106C>T on transcript NM_138694.4 (MANE Select); coding-DNA position 12106, C replaced by T.
Protein change: p.Arg4036Trp; replaces arginine 4036 with tryptophan.
Molecular consequence: missense variant.
Genome position (GRCh38, 1-based): chr6:51,619,200, G>A on the plus strand (C>T on the coding strand, the complement: PKHD1 is on the minus strand). VCF-style: chr6-51619200-G-A. GRCh37 (hg19) VCF-style: chr6-51483998-G-A.
Other names: short protein forms R4036W.
Identifiers: ClinVar variation 406885 (VCV000406885.39), dbSNP rs201210830, ClinGen allele CA3850617.